The following is an entry in ClinVar:

ClinVar aggregate classification (germline): Pathogenic (1 of 4 stars; one submission).

Conditions:
Progressive myoclonic epilepsy. Also called: Myoclonic Epilepsies, Progressive; Familial progressive myoclonic epilepsy; Myoclonus epilepsy; Progressive myoclonus epilepsy. Identifiers: Orphanet 308, Orphanet 98261, MedGen C0751778, MONDO:0020074.

Allele frequency attached by ClinVar (database versions not stated): gnomAD exomes below 0.00001 and 0.00001; TOPMed below 0.00001.

Submission:

Labcorp Genetics (formerly Invitae), Labcorp
Classification: Pathogenic for Progressive myoclonic epilepsy. Last evaluated: 2026-02-04. Review status: criteria provided, single submitter. Criteria: Invitae Variant Classification Sherloc (09022015). Collection method: clinical testing. Allele origin: germline.
Comment: This sequence change creates a premature translational stop signal (p.Val41Cysfs*40) in the CSTB gene. While this is not anticipated to result in nonsense mediated decay, it is expected to disrupt the last 58 amino acid(s) of the CSTB protein. This variant is present in population databases (no rsID available, gnomAD 0.0009%). This variant has not been reported in the literature in individuals affected with CSTB-related conditions. ClinVar contains an entry for this variant (Variation ID: 1455136). This variant disrupts a region of the CSTB protein in which other variant(s) (p.Leu73Profs*3) have been determined to be pathogenic (PMID: 9012407, 9054946, 9342192, 15483648, 17920138). This suggests that this is a clinically significant region of the protein, and that variants that disrupt it are likely to be disease-causing. For these reasons, this variant has been classified as Pathogenic.

Literature cited by the submitters: PubMed 9012407; PubMed 9054946; PubMed 9342192; PubMed 15483648; PubMed 17920138.

NM_000100.4(CSTB):c.121del (p.Val41fs)

Gene: CSTB (cystatin B; minus strand). Cytogenetic location: 21q22.3.
Variant type: Deletion.
Coding change: c.121del on transcript NM_000100.4 (MANE Select); coding-DNA position 121, one base deleted (G; older notation c.121delG).
Protein change: p.Val41fs; shifts the reading frame from valine 41.
Molecular consequence: frameshift variant.
Genome position (GRCh38, 1-based): chr21:43,774,705, C deleted on the plus strand (G on the coding strand, the reverse complement: CSTB is on the minus strand). VCF-style (leftmost placement, unchanged base first): chr21-43774704-AC-A. GRCh37 (hg19) VCF-style: chr21-45194585-AC-A.
Other names: short protein forms V41fs.
Identifiers: ClinVar variation 1455136 (VCV001455136.7), dbSNP rs1257171692, ClinGen allele CA638493622.